The following is an entry in ClinVar:

ClinVar aggregate classification (germline): Uncertain significance (1 of 4 stars; one submission).

Submission:

Labcorp Genetics (formerly Invitae), Labcorp
Classification: Uncertain significance. Last evaluated: 2026-01-19. Review status: criteria provided, single submitter. Criteria: Invitae Variant Classification Sherloc (09022015). Collection method: clinical testing. Allele origin: germline.
Comment: This sequence change replaces aspartic acid, which is acidic and polar, with glycine, which is neutral and non-polar, at codon 300 of the TOP1MT protein (p.Asp300Gly). This variant is not present in population databases (gnomAD no frequency). This variant has not been reported in the literature in individuals affected with TOP1MT-related conditions. ClinVar contains an entry for this variant (Variation ID: 3647249). Invitae Evidence Modeling of protein sequence and biophysical properties (such as structural, functional, and spatial information, amino acid conservation, physicochemical variation, residue mobility, and thermodynamic stability) indicates that this missense variant is not expected to disrupt TOP1MT protein function with a negative predictive value of 80%. In summary, the available evidence is currently insufficient to determine the role of this variant in disease. Therefore, it has been classified as a Variant of Uncertain Significance.

NM_052963.3(TOP1MT):c.899A>G (p.Asp300Gly)

Gene: TOP1MT (DNA topoisomerase I mitochondrial; minus strand). Cytogenetic location: 8q24.3.
Variant type: single nucleotide variant.
Coding change: c.899A>G on transcript NM_052963.3 (MANE Select); coding-DNA position 899, A replaced by G.
Protein change: p.Asp300Gly; replaces aspartic acid 300 with glycine.
Molecular consequence: missense variant.
Genome position (GRCh38, 1-based): chr8:143,324,060, T>C on the plus strand (A>G on the coding strand, the complement: TOP1MT is on the minus strand). VCF-style: chr8-143324060-T-C. GRCh37 (hg19) VCF-style: chr8-144406230-T-C.
Other names: c.605A>G, p.Asp202Gly (NM_001258446.1, NM_001258447.1); short protein forms D300G, D202G.
Identifiers: ClinVar variation 3647249 (VCV003647249.2).